The following is an entry in ClinVar:

NM_016219.5(MAN1B1):c.948G>A (p.Lys316=)

Gene: MAN1B1 (mannosidase alpha class 1B member 1; plus strand). Cytogenetic location: 9q34.3.
Variant type: single nucleotide variant.
Coding change: c.948G>A on transcript NM_016219.5 (MANE Select); coding-DNA position 948, G replaced by A.
Protein change: p.Lys316=; no amino-acid change (lysine 316 retained).
Molecular consequence: synonymous variant. On other transcripts: non-coding transcript variant (2).
Genome position (GRCh38, 1-based): chr9:137,101,036, G>A. VCF-style: chr9-137101036-G-A. GRCh37 (hg19) VCF-style: chr9-139995488-G-A.
Identifiers: ClinVar variation 3390177 (VCV003390177.14).

ClinVar aggregate classification (germline): Likely benign (1 of 4 stars; one submission).

Submission:

CeGaT Center for Human Genetics Tuebingen
Classification: Likely benign. Last evaluated: 2024-11-01. Review status: criteria provided, single submitter. Criteria: CeGaT Center For Human Genetics Tuebingen Variant Classification Criteria Version 2. Collection method: clinical testing. Allele origin: germline. Affected: yes. Observed: 1 variant allele.
Comment: MAN1B1: PM2:Supporting, BP4, BP7